The following is an entry in ClinVar:

NM_000226.4(KRT9):c.584C>T (p.Ala195Val)

Gene: KRT9 (keratin 9; minus strand). Cytogenetic location: 17q21.2.
Variant type: single nucleotide variant.
Coding change: c.584C>T on transcript NM_000226.4 (MANE Select); coding-DNA position 584, C replaced by T.
Protein change: p.Ala195Val; replaces alanine 195 with valine.
Molecular consequence: missense variant.
Genome position (GRCh38, 1-based): chr17:41,571,409, G>A on the plus strand (C>T on the coding strand, the complement: KRT9 is on the minus strand). VCF-style: chr17-41571409-G-A. GRCh37 (hg19) VCF-style: chr17-39727661-G-A.
Other names: short protein forms A195V.
Identifiers: ClinVar variation 4763085 (VCV004763085.1).

ClinVar aggregate classification (germline): Uncertain significance (1 of 4 stars; one submission).

Submission:

Labcorp Genetics (formerly Invitae), Labcorp
Classification: Uncertain significance. Last evaluated: 2025-04-05. Review status: criteria provided, single submitter. Criteria: Invitae Variant Classification Sherloc (09022015). Collection method: clinical testing. Allele origin: germline.
Comment: This sequence change replaces alanine, which is neutral and non-polar, with valine, which is neutral and non-polar, at codon 195 of the KRT9 protein (p.Ala195Val). This variant is not present in population databases (gnomAD no frequency). This variant has not been reported in the literature in individuals affected with KRT9-related conditions. Invitae Evidence Modeling of protein sequence and biophysical properties (such as structural, functional, and spatial information, amino acid conservation, physicochemical variation, residue mobility, and thermodynamic stability) indicates that this missense variant is not expected to disrupt KRT9 protein function with a negative predictive value of 95%. In summary, the available evidence is currently insufficient to determine the role of this variant in disease. Therefore, it has been classified as a Variant of Uncertain Significance.